The following is an entry in ClinVar:

ClinVar aggregate classification (germline): Uncertain significance. Review status: criteria provided, multiple submitters, no conflicts (2 of 4 stars). 4 submissions from 4 submitters: Uncertain significance (4). Last evaluated 2025-10-30.

Conditions:
Endometrial carcinoma. Also called: Endometrial carcinoma, somatic. Identifiers: MedGen C0476089, MONDO:0002447, OMIM 608089, HP:0012114.
Hereditary cancer-predisposing syndrome. Also called: Hereditary Cancer Syndrome; Neoplastic Syndromes, Hereditary; Tumor predisposition; Hereditary neoplastic syndrome. Identifiers: Orphanet 140162, MedGen C0027672, MeSH D009386, MONDO:0015356.

Allele frequency attached by ClinVar (database versions not stated): TOPMed below 0.00001.

Submissions (4):

Ambry Genetics
Classification: Uncertain significance for Hereditary cancer-predisposing syndrome. Last evaluated: 2025-10-30. Review status: criteria provided, single submitter. Criteria: Ambry Variant Classification Scheme 2023. Collection method: clinical testing. Allele origin: germline.
Comment: The p.Q214R variant (also known as c.641A>G), located in coding exon 4 of the MSH3 gene, results from an A to G substitution at nucleotide position 641. The glutamine at codon 214 is replaced by arginine, an amino acid with highly similar properties. This amino acid position is highly conserved in available vertebrate species. In addition, this alteration is predicted to be tolerated by in silico analysis. Based on the available evidence, the clinical significance of this variant remains unclear.

Labcorp Genetics (formerly Invitae), Labcorp
Classification: Uncertain significance. Last evaluated: 2024-11-04. Review status: criteria provided, single submitter. Criteria: Invitae Variant Classification Sherloc (09022015). Collection method: clinical testing. Allele origin: germline.
Comment: This sequence change replaces glutamine, which is neutral and polar, with arginine, which is basic and polar, at codon 214 of the MSH3 protein (p.Gln214Arg). This variant is not present in population databases (gnomAD no frequency). This variant has not been reported in the literature in individuals affected with MSH3-related conditions. ClinVar contains an entry for this variant (Variation ID: 1023216). An algorithm developed to predict the effect of missense changes on protein structure and function (PolyPhen-2) suggests that this variant is likely to be tolerated. In summary, the available evidence is currently insufficient to determine the role of this variant in disease. Therefore, it has been classified as a Variant of Uncertain Significance.

Baylor Genetics
Classification: Uncertain significance for Endometrial carcinoma. Last evaluated: 2024-02-25. Review status: criteria provided, single submitter. Criteria: ACMG Guidelines, 2015. Collection method: clinical testing. Allele origin: unknown.

Quest Diagnostics Nichols Institute San Juan Capistrano
Classification: Uncertain significance. Last evaluated: 2022-12-06. Review status: criteria provided, single submitter. Criteria: Quest Diagnostics criteria. Collection method: clinical testing. Allele origin: unknown.
Comment: The variant has not been reported in the published literature. It also has not been reported in large, multi-ethnic general populations. Analysis of this variant using bioinformatics tools for the prediction of the effect of amino acid changes on protein structure and function yielded predictions that this variant is benign. Based on the available information, we are unable to determine the clinical significance of this variant.

NM_002439.5(MSH3):c.641A>G (p.Gln214Arg)

Gene: MSH3 (mutS homolog 3; plus strand). Cytogenetic location: 5q14.1.
Variant type: single nucleotide variant.
Coding change: c.641A>G on transcript NM_002439.5 (MANE Select); coding-DNA position 641, A replaced by G.
Protein change: p.Gln214Arg; replaces glutamine 214 with arginine.
Molecular consequence: missense variant.
Genome position (GRCh38, 1-based): chr5:80,670,158, A>G. VCF-style: chr5-80670158-A-G. GRCh37 (hg19) VCF-style: chr5-79965977-A-G.
Other names: c.641A>G (NM_002439.3, NM_002439.4); short protein forms Q214R.
Identifiers: ClinVar variation 1023216 (VCV001023216.11), dbSNP rs1749671715, ClinGen allele CA360266552.